The following is an entry in ClinVar:

NM_013432.5(TONSL):c.2690G>A (p.Ser897Asn)

Genes: TONSL (tonsoku like, DNA repair protein; minus strand), TONSL-AS1 (TONSL antisense RNA 1; plus strand). Cytogenetic location: 8q24.3.
Variant type: single nucleotide variant.
Coding change: c.2690G>A on transcript NM_013432.5 (MANE Select); coding-DNA position 2690, G replaced by A.
Protein change: p.Ser897Asn; replaces serine 897 with asparagine.
Molecular consequence: missense variant.
Genome position (GRCh38, 1-based): chr8:144,435,743, C>T on the plus strand (G>A on the coding strand, the complement: TONSL is on the minus strand). VCF-style: chr8-144435743-C-T. GRCh37 (hg19) VCF-style: chr8-145661126-C-T.
Other names: short protein forms S897N.
Identifiers: ClinVar variation 1366615 (VCV001366615.6), dbSNP rs1484577765, ClinGen allele CA372653205.

ClinVar aggregate classification (germline): Uncertain significance (1 of 4 stars; one submission).

Allele frequency attached by ClinVar (database versions not stated): gnomAD exomes 0.00001.
gnomAD v4.1: 3 of 1,612,854 alleles (0.00019%); highest among the groups gnomAD compares: Admixed American, 0.005%; no homozygotes.

Submission:

Labcorp Genetics (formerly Invitae), Labcorp
Classification: Uncertain significance. Last evaluated: 2026-01-11. Review status: criteria provided, single submitter. Criteria: Invitae Variant Classification Sherloc (09022015). Collection method: clinical testing. Allele origin: germline.
Comment: This sequence change replaces serine, which is neutral and polar, with asparagine, which is neutral and polar, at codon 897 of the TONSL protein (p.Ser897Asn). This variant is present in population databases (no rsID available, gnomAD 0.009%). This variant has not been reported in the literature in individuals affected with TONSL-related conditions. ClinVar contains an entry for this variant (Variation ID: 1366615). Invitae Evidence Modeling of protein sequence and biophysical properties (such as structural, functional, and spatial information, amino acid conservation, physicochemical variation, residue mobility, and thermodynamic stability) indicates that this missense variant is not expected to disrupt TONSL protein function with a negative predictive value of 80%. In summary, the available evidence is currently insufficient to determine the role of this variant in disease. Therefore, it has been classified as a Variant of Uncertain Significance.